The following is an entry in ClinVar:

ClinVar aggregate classification (germline): Uncertain significance. Review status: criteria provided, multiple submitters, no conflicts (2 of 4 stars). 3 submissions from 3 submitters: Uncertain significance (3). Last evaluated 2025-07-22.

Conditions:
Cardiovascular phenotype. Identifiers: MedGen CN230736.
Autosomal recessive limb-girdle muscular dystrophy type 2J (LGMDR10). Also called: Limb-girdle muscular dystrophy, type 2J; MUSCULAR DYSTROPHY, LIMB-GIRDLE, AUTOSOMAL RECESSIVE 10. Identifiers: Orphanet 140922, MedGen C1837342, MONDO:0012127, OMIM 608807.
Dilated cardiomyopathy 1G (CMD1G). Identifiers: Orphanet 154, MedGen C1858763, MONDO:0011400, OMIM 604145.

Allele frequency attached by ClinVar (database versions not stated): gnomAD 0.00001; ExAC 0.00006; gnomAD exomes 0.00007; ESP Exome Variant Server 0.00008; TOPMed 0.00008.
gnomAD v4.1: 33 of 1,613,266 alleles (0.002%); highest among the groups gnomAD compares: Admixed American, 0.028%; no homozygotes.

Submissions (3):

Women's Health and Genetics/Laboratory Corporation of America, LabCorp
Classification: Uncertain significance. Last evaluated: 2025-07-22. Review status: criteria provided, single submitter. Criteria: LabCorp Variant Classification Summary - May 2015. Collection method: clinical testing. Allele origin: germline.
Comment: Variant summary: TTN c.67822C>T (p.Arg22608Cys) results in a non-conservative amino acid change in the encoded protein sequence. Algorithms developed to predict the effect of missense changes on protein structure and function all suggest that this variant is likely to be disruptive. The variant allele was found at a frequency of 7.2e-05 in 248358 control chromosomes. This frequency is not significantly higher than estimated for a pathogenic variant in TTN causing Dilated Cardiomyopathy (7.2e-05 vs 0.00039), allowing no conclusion about variant significance. c.67822C>T has been observed in an individual suspected of muscular dystrophy who had two other TTN variants also considered to be of uncertain significance and phase of the variants was not determined/unspecified (Radziwonik-Fraczyk_2024). This report does not provide unequivocal conclusions about association of the variant with Dilated Cardiomyopathy or TTN-related muscular dystrophy. To our knowledge, no experimental evidence demonstrating an impact on protein function has been reported. The following publication has been ascertained in the context of this evaluation (PMID: 38758368). ClinVar contains an entry for this variant (Variation ID: 535176). Based on the evidence outlined above, the variant was classified as uncertain significance.

Ambry Genetics
Classification: Uncertain significance for Cardiovascular phenotype. Last evaluated: 2019-09-27. Review status: criteria provided, single submitter. Criteria: Ambry Variant Classification Scheme 2023. Collection method: clinical testing. Allele origin: germline.
Comment: The p.R16111C variant (also known as c.48331C>T), located in coding exon 153 of the TTN gene, results from a C to T substitution at nucleotide position 48331. The arginine at codon 16111 is replaced by cysteine, an amino acid with highly dissimilar properties. This amino acid position is highly conserved in available vertebrate species. In addition, this alteration is predicted to be tolerated by in silico analysis. Since supporting evidence is limited at this time, the clinical significance of this alteration remains unclear.

Labcorp Genetics (formerly Invitae), Labcorp
Classification: Uncertain significance for Dilated cardiomyopathy 1G; Autosomal recessive limb-girdle muscular dystrophy type 2J. Last evaluated: 2017-11-14. Review status: criteria provided, single submitter. Criteria: Invitae Variant Classification Sherloc (09022015). Collection method: clinical testing. Allele origin: germline.

Literature cited by the submitters: PubMed 38758368 (cited by Women's Health and Genetics/Laboratory Corporation of America, LabCorp).

NM_001267550.2(TTN):c.75526C>T (p.Arg25176Cys)

Genes: TTN-AS1 (TTN antisense RNA 1; plus strand), TTN (titin; minus strand). Cytogenetic location: 2q31.2.
Variant type: single nucleotide variant.
Coding change: c.75526C>T on transcript NM_001267550.2 (MANE Select); coding-DNA position 75526, C replaced by T.
Protein change: p.Arg25176Cys; replaces arginine 25176 with cysteine.
Molecular consequence: missense variant.
Genome position (GRCh38, 1-based): chr2:178,570,606, G>A on the plus strand (C>T on the coding strand, the complement: TTN is on the minus strand). VCF-style: chr2-178570606-G-A. GRCh37 (hg19) VCF-style: chr2-179435333-G-A.
Other names: c.70603C>T, p.Arg23535Cys (NM_001256850.1); c.48331C>T, p.Arg16111Cys (NM_003319.4); c.67822C>T, p.Arg22608Cys (NM_133378.4); c.48706C>T, p.Arg16236Cys (NM_133432.3); c.48907C>T, p.Arg16303Cys (NM_133437.4); short protein forms R25176C, R22608C, R16236C, R16111C, R16303C, R23535C.
Identifiers: ClinVar variation 535176 (VCV000535176.6), dbSNP rs368339903, ClinGen allele CA1990034.